The following is an entry in ClinVar:

ClinVar aggregate classification (germline): Uncertain significance (1 of 4 stars; one submission).

Conditions:
Mendelian susceptibility to mycobacterial diseases due to complete IL12RB1 deficiency. Also called: IL12RB1 DEFICIENCY; Immunodeficiency 30. Identifiers: Orphanet 319552, MedGen C4013949, MONDO:0013955, OMIM 614891.

Allele frequency attached by ClinVar (database versions not stated): gnomAD 0.00005 and 0.00006; gnomAD exomes 0.00002; ExAC 0.00004; TOPMed 0.00004; ESP Exome Variant Server 0.00008.
gnomAD v4.1: 55 of 1,613,250 alleles (0.0034%); highest among the groups gnomAD compares: African/African-American, 0.008%; no homozygotes.

Submission:

Labcorp Genetics (formerly Invitae), Labcorp
Classification: Uncertain significance for Mendelian susceptibility to mycobacterial diseases due to complete IL12RB1 deficiency. Last evaluated: 2024-11-05. Review status: criteria provided, single submitter. Criteria: Invitae Variant Classification Sherloc (09022015). Collection method: clinical testing. Allele origin: germline.
Comment: This sequence change replaces arginine, which is basic and polar, with cysteine, which is neutral and slightly polar, at codon 536 of the IL12RB1 protein (p.Arg536Cys). This variant is present in population databases (rs377695964, gnomAD 0.008%). This variant has not been reported in the literature in individuals affected with IL12RB1-related conditions. ClinVar contains an entry for this variant (Variation ID: 576243). Invitae Evidence Modeling of protein sequence and biophysical properties (such as structural, functional, and spatial information, amino acid conservation, physicochemical variation, residue mobility, and thermodynamic stability) indicates that this missense variant is not expected to disrupt IL12RB1 protein function with a negative predictive value of 80%. In summary, the available evidence is currently insufficient to determine the role of this variant in disease. Therefore, it has been classified as a Variant of Uncertain Significance.

NM_005535.3(IL12RB1):c.1606C>T (p.Arg536Cys)

Gene: IL12RB1 (interleukin 12 receptor subunit beta 1; minus strand). Cytogenetic location: 19p13.11.
Variant type: single nucleotide variant.
Coding change: c.1606C>T on transcript NM_005535.3 (MANE Select); coding-DNA position 1606, C replaced by T.
Protein change: p.Arg536Cys; replaces arginine 536 with cysteine.
Molecular consequence: missense variant.
Genome position (GRCh38, 1-based): chr19:18,063,888, G>A on the plus strand (C>T on the coding strand, the complement: IL12RB1 is on the minus strand). VCF-style: chr19-18063888-G-A. GRCh37 (hg19) VCF-style: chr19-18174698-G-A.
Other names: c.1606C>T, p.Arg536Cys (NM_001290023.2); c.1726C>T, p.Arg576Cys (NM_001290024.2); short protein forms R536C, R576C.
Identifiers: ClinVar variation 576243 (VCV000576243.7), dbSNP rs377695964, ClinGen allele CA9304783.